The following is an entry in ClinVar:

ClinVar aggregate classification (germline): Uncertain significance (1 of 4 stars; one submission).

Conditions:
Muscular dystrophy-dystroglycanopathy (congenital with brain and eye anomalies), type A, 7. Also called: WALKER-WARBURG SYNDROME OR MUSCLE-EYE-BRAIN DISEASE, ISPD-RELATED; Congenital muscular dystrophy-dystroglycanopathy with brain and eye anomalies, type A7. Identifiers: Orphanet 899, MedGen C3553330, MONDO:0013835, OMIM 614643.
Autosomal recessive limb-girdle muscular dystrophy type 2U. Also called: Muscular dystrophy-dystroglycanopathy (limb-girdle), type c, 7; MUSCULAR DYSTROPHY, LIMB-GIRDLE, TYPE 2U. Identifiers: Orphanet 352479, MedGen C5190987, MONDO:0014474, OMIM 616052.

Submission:

Labcorp Genetics (formerly Invitae), Labcorp
Classification: Uncertain significance for Muscular dystrophy-dystroglycanopathy (congenital with brain and eye anomalies), type A, 7; Autosomal recessive limb-girdle muscular dystrophy type 2U. Last evaluated: 2020-12-06. Review status: criteria provided, single submitter. Criteria: Invitae Variant Classification Sherloc (09022015). Collection method: clinical testing. Allele origin: germline.
Comment: This variant has not been reported in the literature in individuals with ISPD-related conditions. In summary, the available evidence is currently insufficient to determine the role of this variant in disease. Therefore, it has been classified as a Variant of Uncertain Significance. Algorithms developed to predict the effect of missense changes on protein structure and function are either unavailable or do not agree on the potential impact of this missense change (SIFT: "Deleterious"; PolyPhen-2: "Benign"; Align-GVGD: "Class C0"). The frequency data for this variant in the population databases is considered unreliable, as metrics indicate insufficient coverage at this position in the ExAC database. This sequence change replaces glutamic acid with aspartic acid at codon 2 of the ISPD protein (p.Glu2Asp). The glutamic acid residue is moderately conserved and there is a small physicochemical difference between glutamic acid and aspartic acid.

NM_001101426.4(CRPPA):c.6G>T (p.Glu2Asp)

Genes: CRPPA (CDP-L-ribitol pyrophosphorylase A; minus strand), LOC129998005 (ATAC-STARR-seq lymphoblastoid silent region 17982; plus strand). Cytogenetic location: 7p21.2.
Variant type: single nucleotide variant.
Coding change: c.6G>T on transcript NM_001101426.4 (MANE Select); coding-DNA position 6, G replaced by T.
Protein change: p.Glu2Asp; replaces glutamic acid 2 with aspartic acid.
Molecular consequence: missense variant. On other transcripts: non-coding transcript variant (1).
Genome position (GRCh38, 1-based): chr7:16,421,317, C>A on the plus strand (G>T on the coding strand, the complement: CRPPA is on the minus strand). VCF-style: chr7-16421317-C-A. GRCh37 (hg19) VCF-style: chr7-16460942-C-A.
Other names: c.6G>T, p.Glu2Asp (NM_001101417.4, NM_001368197.1); short protein forms E2D.
Identifiers: ClinVar variation 1680820 (VCV001680820.7), dbSNP rs2128321553, ClinGen allele CA367004613.